The following is an entry in ClinVar:

NM_015999.6(ADIPOR1):c.445C>T (p.Leu149Phe)

Gene: ADIPOR1 (adiponectin receptor 1; minus strand). Cytogenetic location: 1q32.1.
Variant type: single nucleotide variant.
Coding change: c.445C>T on transcript NM_015999.6 (MANE Select); coding-DNA position 445, C replaced by T.
Protein change: p.Leu149Phe; replaces leucine 149 with phenylalanine.
Molecular consequence: missense variant.
Genome position (GRCh38, 1-based): chr1:202,945,155, G>A on the plus strand (C>T on the coding strand, the complement: ADIPOR1 is on the minus strand). VCF-style: chr1-202945155-G-A. GRCh37 (hg19) VCF-style: chr1-202914283-G-A.
Other names: c.445C>T, p.Leu149Phe (NM_001127687.1, NM_001290553.2, NM_001290557.1 and 1 more transcripts); short protein forms L149F.
Identifiers: ClinVar variation 2102800 (VCV002102800.4), dbSNP rs767286210, ClinGen allele CA1335944.
Genomic context (GRCh38, chr1:202,945,155, plus strand): 5'-CCTGTAGAGGGGCCATGAAGTACATATTTGGTCTGAGCATGGTCAAGATTCCCAAAAAGA[G>A]AAACAGCACGAAACCTGCAGGAGGGTAAAATAAAAAAAACCTGTAAGAAAAAAGGGAATG-3'
Protein context (NP_057083.2, residues 139-159): WTHLLGFVLF[Leu149Phe]FLGILTMLRP

ClinVar aggregate classification (germline): Uncertain significance (1 of 4 stars; one submission).

Allele frequency attached by ClinVar (database versions not stated): gnomAD exomes 0.00002; ExAC 0.00001.
gnomAD v4.1: 33 of 1,608,578 alleles (0.0021%); highest among the groups gnomAD compares: Non-Finnish European, 0.0027%; no homozygotes.

Submission:

Labcorp Genetics (formerly Invitae), Labcorp
Classification: Uncertain significance. Last evaluated: 2023-07-17. Review status: criteria provided, single submitter. Criteria: Invitae Variant Classification Sherloc (09022015). Collection method: clinical testing. Allele origin: germline.
Comment: In summary, the available evidence is currently insufficient to determine the role of this variant in disease. Therefore, it has been classified as a Variant of Uncertain Significance. An algorithm developed to predict the effect of missense changes on protein structure and function (PolyPhen-2) suggests that this variant is likely to be tolerated. ClinVar contains an entry for this variant (Variation ID: 2102800). This variant has not been reported in the literature in individuals affected with ADIPOR1-related conditions. This variant is present in population databases (rs767286210, gnomAD 0.0009%). This sequence change replaces leucine, which is neutral and non-polar, with phenylalanine, which is neutral and non-polar, at codon 149 of the ADIPOR1 protein (p.Leu149Phe).